The following is an entry in ClinVar:

NM_017841.4(SDHAF2):c.63A>G (p.Leu21=)

Gene: SDHAF2 (succinate dehydrogenase complex assembly factor 2; plus strand). Cytogenetic location: 11q12.2.
Variant type: single nucleotide variant.
Coding change: c.63A>G on transcript NM_017841.4 (MANE Select); coding-DNA position 63, A replaced by G.
Protein change: p.Leu21=; no amino-acid change (leucine 21 retained).
Molecular consequence: synonymous variant.
Genome position (GRCh38, 1-based): chr11:61,437,651, A>G. VCF-style: chr11-61437651-A-G. GRCh37 (hg19) VCF-style: chr11-61205123-A-G.
Identifiers: ClinVar variation 241219 (VCV000241219.43), dbSNP rs191513932, ClinGen allele CA059528.

ClinVar aggregate classification (germline): Benign/Likely benign. Review status: criteria provided, multiple submitters, no conflicts (2 of 4 stars). 9 submissions from 9 submitters: Benign (5); Likely benign (4). Last evaluated 2026-08-05.

Conditions:
Hereditary cancer-predisposing syndrome. Also called: Hereditary Cancer Syndrome; Tumor predisposition; Hereditary neoplastic syndrome; Neoplastic Syndromes, Hereditary. Identifiers: Orphanet 140162, MedGen C0027672, MeSH D009386, MONDO:0015356.
Hereditary pheochromocytoma and paraganglioma. Also called: Hereditary pheochromocytoma-paraganglioma; Hereditary Paraganglioma-Pheochromocytoma Syndromes; Hereditary paragangliomas and pheochromocytomas. Identifiers: Orphanet 29072, MedGen C4274332, MONDO:0017366.
Pheochromocytoma/paraganglioma syndrome 2. Also called: Paragangliomas 2; GLOMUS TUMORS, FAMILIAL, 2; SDHAF2-Related Hereditary Paraganglioma-Pheochromocytoma Syndrome; SDHAF2-Related Hereditary Paraganglioma-Pheochromocytoma Syndrome (Paragangliomas 2). Identifiers: Orphanet 29072, MedGen C1866552, MONDO:0011121, OMIM 601650.

Allele frequency attached by ClinVar (database versions not stated): gnomAD 0.00035 and 0.00025; ExAC 0.00057; 1000 Genomes Project 30x 0.00094; 1000 Genomes Project 0.00120; ESP Exome Variant Server 0.00008; gnomAD exomes 0.00034 and 0.00048; TOPMed 0.00039.
gnomAD v4.1: 535 of 1,614,168 alleles (0.033%); highest among the groups gnomAD compares: East Asian, 1.1%; 2 homozygotes.

Submissions (9):

Myriad Genetics, Inc.
Classification: Benign for Pheochromocytoma/paraganglioma syndrome 2. Last evaluated: 2026-08-05. Review status: criteria provided, single submitter. Criteria: Myriad Autosomal Dominant, Autosomal Recessive and X-Linked Classification Criteria (2023). Collection method: clinical testing. Allele origin: unknown.
Comment: This variant is considered benign. This variant is a silent/synonymous amino acid change and it is not expected to impact splicing.

Labcorp Genetics (formerly Invitae), Labcorp
Classification: Benign for Hereditary pheochromocytoma and paraganglioma. Last evaluated: 2026-02-03. Review status: criteria provided, single submitter. Criteria: Invitae Variant Classification Sherloc (09022015). Collection method: clinical testing. Allele origin: germline.

Blueprint Genetics
Classification: Likely benign. Last evaluated: 2024-07-26. Review status: criteria provided, single submitter. Criteria: ACMG Guidelines, 2015. Collection method: clinical testing. Allele origin: germline.

CeGaT Center for Human Genetics Tuebingen
Classification: Likely benign. Last evaluated: 2024-05-01. Review status: criteria provided, single submitter. Criteria: CeGaT Center For Human Genetics Tuebingen Variant Classification Criteria Version 2. Collection method: clinical testing. Allele origin: germline. Affected: yes. Observed: 1 variant allele.
Comment: SDHAF2: BP4, BP7, BS1

Color Diagnostics, LLC DBA Color Health
Classification: Benign for Hereditary pheochromocytoma and paraganglioma. Last evaluated: 2022-11-06. Review status: criteria provided, single submitter. Criteria: ACMG Guidelines, 2015. Collection method: clinical testing. Allele origin: germline.

Sema4
Classification: Benign for Hereditary cancer-predisposing syndrome. Last evaluated: 2021-07-28. Review status: criteria provided, single submitter. Criteria: Sema4 Curation Guidelines. Collection method: curation. Allele origin: germline.

GeneDx
Classification: Likely benign. Last evaluated: 2020-01-23. Review status: criteria provided, single submitter. Criteria: GeneDx Variant Classification Process June 2021. Collection method: clinical testing. Allele origin: germline. Affected: yes.

Illumina Laboratory Services, Illumina
Classification: Benign for Hereditary Paraganglioma-Pheochromocytoma Syndromes. Last evaluated: 2018-01-13. Review status: criteria provided, single submitter. Criteria: ICSL Variant Classification Criteria 13 December 2019. Collection method: clinical testing. Allele origin: germline.
Comment: This variant was observed in the ICSL laboratory as part of a predisposition screen in an ostensibly healthy population. It had not been previously curated by ICSL or reported in the Human Gene Mutation Database (HGMD: prior to June 1st, 2018), and was therefore a candidate for classification through an automated scoring system. Utilizing variant allele frequency, disease prevalence and penetrance estimates, and inheritance mode, an automated score was calculated to assess if this variant is too frequent to cause the disease. Based on the score and internal cut-off values, a variant classified as benign is not then subjected to further curation. The score for this variant resulted in a classification of benign for this disease.

Ambry Genetics
Classification: Likely benign for Hereditary cancer-predisposing syndrome. Last evaluated: 2015-10-30. Review status: criteria provided, single submitter. Criteria: Ambry Variant Classification Scheme 2023. Collection method: clinical testing. Allele origin: germline.